The following is an entry in ClinVar:

ClinVar aggregate classification (germline): Uncertain significance (1 of 4 stars; one submission).

Conditions:
Arrhythmogenic cardiomyopathy with wooly hair and keratoderma. Also called: Carvajal syndrome; PALMOPLANTAR KERATODERMA WITH LEFT VENTRICULAR CARDIOMYOPATHY AND WOOLLY HAIR; Dilated cardiomyopathy with woolly hair and keratoderma; Arrhythmogenic cardiomyopathy with woolly hair and keratoderma. Identifiers: Orphanet 65282, MedGen C1854063, MONDO:0011581, OMIM 605676.
Arrhythmogenic right ventricular dysplasia 8 (ARVD8). Also called: Arrhythmogenic Right Ventricular Dysplasia/Cardiomyopathy 8; ARRHYTHMOGENIC RIGHT VENTRICULAR DYSPLASIA, FAMILIAL, 8; ARRHYTHMOGENIC RIGHT VENTRICULAR CARDIOMYOPATHY 8. Identifiers: MedGen C1843896, MONDO:0011831, OMIM 607450.

Submission:

Labcorp Genetics (formerly Invitae), Labcorp
Classification: Uncertain significance for Arrhythmogenic cardiomyopathy with wooly hair and keratoderma; Arrhythmogenic right ventricular dysplasia 8. Last evaluated: 2025-05-21. Review status: criteria provided, single submitter. Criteria: Invitae Variant Classification Sherloc (09022015). Collection method: clinical testing. Allele origin: germline.
Comment: This sequence change falls in intron 1 of the DSP gene. It does not directly change the encoded amino acid sequence of the DSP protein. It affects a nucleotide within the consensus splice site. This variant is not present in population databases (gnomAD no frequency). This variant has not been reported in the literature in individuals affected with DSP-related conditions. Variants that disrupt the consensus splice site are a relatively common cause of aberrant splicing (PMID: 17576681, 9536098). Algorithms developed to predict the effect of sequence changes on RNA splicing suggest that this variant may disrupt the consensus splice site. In summary, the available evidence is currently insufficient to determine the role of this variant in disease. Therefore, it has been classified as a Variant of Uncertain Significance.

Literature cited by the submitters: PubMed 17576681; PubMed 9536098.

NM_004415.4(DSP):c.170+6T>C

Genes: DSP-AS1 (DSP antisense RNA 1; minus strand), DSP (desmoplakin; plus strand). Cytogenetic location: 6p24.3.
Variant type: single nucleotide variant.
Coding change: c.170+6T>C on transcript NM_004415.4 (MANE Select); 6 bases into the intron after coding-DNA position 170, T replaced by C.
Molecular consequence: intron variant.
Genome position (GRCh38, 1-based): chr6:7,542,091, T>C. VCF-style: chr6-7542091-T-C. GRCh37 (hg19) VCF-style: chr6-7542324-T-C.
Other names: c.170+6T>C (NM_001319034.2, NM_001008844.3, NM_001406591.1).
Identifiers: ClinVar variation 4785042 (VCV004785042.1).
Genomic context (GRCh38, chr6:7,542,091, plus strand): 5'-GGATGTACTATTCTCGGCGCGGCGTGATCACCGACCAGAACTCGGACGGCTACTGGTGGG[T>C]ACCTGCCCGGAGAGCGCGGGCTGCGGGGCTCGCGGGACAGGGAGGGACCGTCCTCCTCTG-3'